The following is an entry in ClinVar:

ClinVar aggregate classification (germline): Pathogenic. Review status: criteria provided, multiple submitters, no conflicts (2 of 4 stars). 3 submissions from 3 submitters: Pathogenic (3). Last evaluated 2024-02-20.

Conditions:
TNFAIP3-related disorder. Also called: TNFAIP3-related condition.
Autoinflammatory syndrome, familial, Behcet-like 1 (AIFBL1). Also called: Haploinsufficiency of A20. Identifiers: Orphanet 674762, MedGen C4225218, MONDO:0800045, OMIM 616744.

Submissions (3):

Labcorp Genetics (formerly Invitae), Labcorp
Classification: Pathogenic. Last evaluated: 2024-02-20. Review status: criteria provided, single submitter. Criteria: Invitae Variant Classification Sherloc (09022015). Collection method: clinical testing. Allele origin: germline.
Comment: This sequence change creates a premature translational stop signal (p.Arg183*) in the TNFAIP3 gene. It is expected to result in an absent or disrupted protein product. Loss-of-function variants in TNFAIP3 are known to be pathogenic (PMID: 26642243). This variant is not present in population databases (gnomAD no frequency). This premature translational stop signal has been observed in individual(s) with clinical features of Behcet's-like disease (PMID: 31353537). ClinVar contains an entry for this variant (Variation ID: 1428578). Algorithms developed to predict the effect of sequence changes on RNA splicing suggest that this variant may disrupt the consensus splice site. For these reasons, this variant has been classified as Pathogenic.

Institute of Medical Genetics and Applied Genomics, University Hospital Tübingen
Classification: Pathogenic for Autoinflammatory syndrome, familial, Behcet-like 1. Last evaluated: 2023-05-30. Review status: criteria provided, single submitter. Criteria: ACMG Guidelines, 2015. Collection method: clinical testing. Allele origin: germline. Inheritance: Autosomal dominant inheritance. Affected: yes.

Blueprint Genetics
Classification: Pathogenic for TNFAIP3-related disorders. Last evaluated: 2022-05-16. Review status: criteria provided, single submitter. Criteria: ACMG Guidelines, 2015. Collection method: clinical testing. Allele origin: germline. Affected: yes. Observed: 1 variant allele.

Literature cited by the submitters: PubMed 26642243 (cited by Labcorp Genetics (formerly Invitae), Labcorp); PubMed 31353537 (cited by Labcorp Genetics (formerly Invitae), Labcorp).

NM_001270508.2(TNFAIP3):c.547C>T (p.Arg183Ter)

Genes: TNFAIP3 (TNF alpha induced protein 3; plus strand), LOC126859807 (MED14-independent group 3 enhancer GRCh37_chr6:138196296-138197495; plus strand). Cytogenetic location: 6q23.3.
Variant type: single nucleotide variant.
Coding change: c.547C>T on transcript NM_001270508.2 (MANE Select); coding-DNA position 547, C replaced by T.
Protein change: p.Arg183Ter; replaces arginine 183 with a stop codon.
Molecular consequence: nonsense.
Genome position (GRCh38, 1-based): chr6:137,875,748, C>T. VCF-style: chr6-137875748-C-T. GRCh37 (hg19) VCF-style: chr6-138196885-C-T.
Other names: c.547C>T, p.Arg183Ter (NM_001270507.2, NM_006290.4); short protein forms R183*.
Identifiers: ClinVar variation 1428578 (VCV001428578.14), dbSNP rs1423560438, ClinGen allele CA365783320.